The following is an entry in ClinVar:

ClinVar aggregate classification (germline): Uncertain significance (1 of 4 stars; one submission).

Conditions:
ATP8B1-related disorder. Also called: ATP8B1-related condition; ATP8B1-related disorders.

gnomAD v4.1: 1 of 1,613,642 alleles (0.000062%); highest among the groups gnomAD compares: Non-Finnish European, 0.000085%; no homozygotes.

Submission:

PreventionGenetics, part of Exact Sciences
Classification: Uncertain significance for ATP8B1-related condition. Last evaluated: 2026-04-11. Review status: criteria provided, single submitter. Criteria: ACMG Guidelines, 2015. Collection method: clinical testing. Allele origin: germline.
Comment: The ATP8B1 c.656A>G variant is predicted to result in the amino acid substitution p.Glu219Gly. To our knowledge, this variant has not been reported in the literature or in a large population database (gnomAD), indicating this variant is rare. At this time, the clinical significance of this variant is uncertain due to the absence of conclusive functional and genetic evidence.

NM_001374385.1(ATP8B1):c.656A>G (p.Glu219Gly)

Gene: ATP8B1 (ATPase phospholipid transporting 8B1; minus strand). Cytogenetic location: 18q21.31.
Variant type: single nucleotide variant.
Coding change: c.656A>G on transcript NM_001374385.1 (MANE Select); coding-DNA position 656, A replaced by G.
Protein change: p.Glu219Gly; replaces glutamic acid 219 with glycine.
Molecular consequence: missense variant.
Genome position (GRCh38, 1-based): chr18:57,697,660, T>C on the plus strand (A>G on the coding strand, the complement: ATP8B1 is on the minus strand). VCF-style: chr18-57697660-T-C. GRCh37 (hg19) VCF-style: chr18-55364892-T-C.
Other names: c.506A>G, p.Glu169Gly (NM_001374386.1); c.656A>G, p.Glu219Gly (NM_005603.6); short protein forms E169G, E219G.
Identifiers: ClinVar variation 3350228 (VCV003350228.2).
Genomic context (GRCh38, chr18:57,697,660, plus strand): 5'-CCATCGAGACACACTTACCCATCCAGTTCTGCTGTTTCCACATAGCAGAGGCTGTTAGGC[T>C]CAGAGCTAGACAGCAGGAGAATGTCAGCCTGTCCAAAACAAAACACACAAATAACACCGA-3'
Protein context (NP_001361314.1, residues 209-229): PADILLLSSS[Glu219Gly]PNSLCYVETA